The following is an entry in ClinVar:

ClinVar aggregate classification (germline): Pathogenic (1 of 4 stars; one submission).

Submission:

Labcorp Genetics (formerly Invitae), Labcorp
Classification: Pathogenic. Last evaluated: 2022-07-12. Review status: criteria provided, single submitter. Criteria: Invitae Variant Classification Sherloc (09022015). Collection method: clinical testing. Allele origin: germline.
Comment: For these reasons, this variant has been classified as Pathogenic. This variant has not been reported in the literature in individuals affected with FLVCR1-related conditions. This variant is a gross deletion of the genomic region encompassing exon(s) 6-8 of the FLVCR1 gene. This deletion is out-of-frame, and is expected to create a premature termination codon and result in an absent or disrupted protein product. Loss-of-function variants in FLVCR1 are known to be pathogenic (PMID: 23591405, 27923065).

Literature cited by the submitters: PubMed 23591405; PubMed 27923065.

NC_000001.10:g.(?_213061213)_(213062619_?)del

Gene: FLVCR1 (FLVCR choline and heme transporter 1; plus strand). Cytogenetic location: 1q32.3.
Variant type: Deletion.
Identifiers: ClinVar variation 1456369 (VCV001456369.7).